The following is an entry in ClinVar:

ClinVar aggregate classification (germline): Uncertain significance. Review status: criteria provided, multiple submitters, no conflicts (2 of 4 stars). 4 submissions from 4 submitters: Uncertain significance (4). Last evaluated 2026-04-08.

Conditions:
Inborn genetic diseases. Identifiers: MedGen C0950123, MeSH D030342.
BTD-related disorder. Also called: BTD-related condition.
Biotinidase deficiency. Also called: BTD deficiency; Late-onset biotin-responsive multiple carboxylase deficiency; Biotin deficiency. Identifiers: Orphanet 79241, MedGen C0220754, MONDO:0009665, OMIM 253260.

Allele frequency attached by ClinVar (database versions not stated): gnomAD exomes 0.00002 and 0.00004; gnomAD 0.00003 and 0.00004; TOPMed 0.00003; ExAC 0.00004.
gnomAD v4.1: 45 of 1,614,066 alleles (0.0028%); highest among the groups gnomAD compares: East Asian, 0.038%; no homozygotes.

Submissions (4):

PreventionGenetics, part of Exact Sciences
Classification: Uncertain significance for BTD-related condition. Last evaluated: 2026-04-08. Review status: criteria provided, single submitter. Criteria: ACMG Guidelines, 2015. Collection method: clinical testing. Allele origin: germline.
Comment: The BTD c.109G>A variant is predicted to result in the amino acid substitution p.Val37Met. To our knowledge, this variant has not been reported in the literature. This variant is reported in 0.060% of alleles in individuals of East Asian descent in gnomAD. Although we suspect that this variant may be benign, at this time, the clinical significance of this variant is uncertain due to the absence of conclusive functional and genetic evidence.

Ambry Genetics
Classification: Uncertain significance for Inborn genetic diseases. Last evaluated: 2021-09-16. Review status: criteria provided, single submitter. Criteria: Ambry Variant Classification Scheme 2023. Collection method: clinical testing. Allele origin: germline.

Labcorp Genetics (formerly Invitae), Labcorp
Classification: Uncertain significance for Biotinidase deficiency. Last evaluated: 2021-08-26. Review status: criteria provided, single submitter. Criteria: Invitae Variant Classification Sherloc (09022015). Collection method: clinical testing. Allele origin: germline.
Comment: This sequence change replaces valine with methionine at codon 37 of the BTD protein (p.Val37Met). The valine residue is weakly conserved and there is a small physicochemical difference between valine and methionine. This variant is present in population databases (rs772369148, ExAC 0.06%). This variant has not been reported in the literature in individuals affected with BTD-related conditions. Algorithms developed to predict the effect of missense changes on protein structure and function (SIFT, PolyPhen-2, Align-GVGD) all suggest that this variant is likely to be tolerated. In summary, the available evidence is currently insufficient to determine the role of this variant in disease. Therefore, it has been classified as a Variant of Uncertain Significance.

Fulgent Genetics
Classification: Uncertain significance for Biotinidase deficiency. Last evaluated: 2021-08-25. Review status: criteria provided, single submitter. Criteria: ACMG Guidelines, 2015. Collection method: clinical testing. Allele origin: unknown.

NM_001370658.1(BTD):c.49G>A (p.Val17Met)

Gene: BTD (biotinidase; plus strand). Cytogenetic location: 3p25.1.
Variant type: single nucleotide variant.
Coding change: c.49G>A on transcript NM_001370658.1 (MANE Select); coding-DNA position 49, G replaced by A.
Protein change: p.Val17Met; replaces valine 17 with methionine.
Molecular consequence: missense variant.
Genome position (GRCh38, 1-based): chr3:15,635,488, G>A. VCF-style: chr3-15635488-G-A. GRCh37 (hg19) VCF-style: chr3-15676995-G-A.
Other names: c.109G>A (NM_000060.2, NM_000060.4); c.49G>A, p.Val17Met (NM_001281723.4, NM_001281724.3, NM_001281725.3 and 37 more transcripts); short protein forms V17M.
Identifiers: ClinVar variation 1429493 (VCV001429493.9), dbSNP rs772369148, ClinGen allele CA2277242.